The following is an entry in ClinVar:

NM_018903.4(PCDHA12):c.768A>G (p.Gln256=)

Genes: PCDHA1 (protocadherin alpha 1; plus strand), PCDHA10 (protocadherin alpha 10; plus strand), PCDHA11 (protocadherin alpha 11; plus strand), PCDHA12 (protocadherin alpha 12; plus strand), PCDHA2 (protocadherin alpha 2; plus strand) and 8 more. Cytogenetic location: 5q31.3.
Variant type: single nucleotide variant.
Coding change: c.768A>G on transcript NM_018903.4 (MANE Select); coding-DNA position 768, A replaced by G.
Protein change: p.Gln256=; no amino-acid change (glutamine 256 retained).
Molecular consequence: synonymous variant. On other transcripts: intron variant (14).
Genome position (GRCh38, 1-based): chr5:140,876,240, A>G. VCF-style: chr5-140876240-A-G. GRCh37 (hg19) VCF-style: chr5-140255825-A-G.
Other names: c.768A>G, p.Gln256= (NM_031864.3); c.2394+87556A>G (NM_018900.4); c.1602+88348A>G (NM_031411.3); c.2388+78888A>G (NM_018905.3); c.2394+72649A>G (NM_018906.3); c.2385+66668A>G (NM_018907.4); c.2352+52113A>G (NM_018908.3); c.2394+45755A>G (NM_018909.4); and 7 more.
Identifiers: ClinVar variation 2655794 (VCV002655794.24), dbSNP rs375639572, ClinGen allele CA3452504.
Genomic context (GRCh38, chr5:140,876,240, plus strand): 5'-TGACAATGGTCCGGCGTTTGATAAGCCCAGCTATAAAGTAGTGTTGTCTGAAAATGTCCA[A>G]AACGACACAAGAGTGATCCAACTAAATGCTTCCGATCCAGACGAAGGACTTAATGGAGAA-3'
Protein context (NP_061726.1, residues 246-266): SYKVVLSENV[Gln256=]NDTRVIQLNA

ClinVar aggregate classification (germline): Likely benign (1 of 4 stars; one submission).

Allele frequency attached by ClinVar (database versions not stated): gnomAD exomes 0.00007; ESP Exome Variant Server 0.00008; gnomAD 0.00008; ExAC 0.00011; TOPMed 0.00016.
gnomAD v4.1: 113 of 1,613,906 alleles (0.007%); highest among the groups gnomAD compares: Admixed American, 0.0083%; no homozygotes.

Submission:

CeGaT Center for Human Genetics Tuebingen
Classification: Likely benign. Last evaluated: 2022-12-01. Review status: criteria provided, single submitter. Criteria: CeGaT Center For Human Genetics Tuebingen Variant Classification Criteria Version 2. Collection method: clinical testing. Allele origin: germline. Affected: yes. Observed: 1 variant allele.
Comment: PCDHA12: BP4, BP7